The following is an entry in ClinVar:

NM_001348800.3(ZBTB20):c.1399G>A (p.Gly467Arg)

Gene: ZBTB20 (zinc finger and BTB domain containing 20; minus strand). Cytogenetic location: 3q13.31.
Variant type: single nucleotide variant.
Coding change: c.1399G>A on transcript NM_001348800.3 (MANE Select); coding-DNA position 1399, G replaced by A.
Protein change: p.Gly467Arg; replaces glycine 467 with arginine.
Molecular consequence: missense variant.
Genome position (GRCh38, 1-based): chr3:114,350,679, C>T on the plus strand (G>A on the coding strand, the complement: ZBTB20 is on the minus strand). VCF-style: chr3-114350679-C-T. GRCh37 (hg19) VCF-style: chr3-114069526-C-T.
Other names: c.1399G>A, p.Gly467Arg (NM_001164342.2, NM_001348803.3, NM_001393393.1 and 1 more transcripts); c.1180G>A, p.Gly394Arg (NM_001164343.2, NM_001164344.4, NM_001164345.4 and 9 more transcripts); short protein forms G467R, G394R.
Identifiers: ClinVar variation 4770617 (VCV004770617.1).

ClinVar aggregate classification (germline): Uncertain significance (1 of 4 stars; one submission).

gnomAD v4.1: 3 of 1,614,082 alleles (0.00019%); highest among the groups gnomAD compares: African/African-American, 0.0013%; no homozygotes.

Submission:

Labcorp Genetics (formerly Invitae), Labcorp
Classification: Uncertain significance. Last evaluated: 2025-05-25. Review status: criteria provided, single submitter. Criteria: Invitae Variant Classification Sherloc (09022015). Collection method: clinical testing. Allele origin: germline.
Comment: This sequence change replaces glycine, which is neutral and non-polar, with arginine, which is basic and polar, at codon 467 of the ZBTB20 protein (p.Gly467Arg). This variant is present in population databases (no rsID available, gnomAD 0.01%). This variant has not been reported in the literature in individuals affected with ZBTB20-related conditions. Invitae Evidence Modeling of protein sequence and biophysical properties (such as structural, functional, and spatial information, amino acid conservation, physicochemical variation, residue mobility, and thermodynamic stability) indicates that this missense variant is not expected to disrupt ZBTB20 protein function with a negative predictive value of 95%. In summary, the available evidence is currently insufficient to determine the role of this variant in disease. Therefore, it has been classified as a Variant of Uncertain Significance.